The following is an entry in ClinVar:

ClinVar aggregate classification (germline): Uncertain significance (1 of 4 stars; one submission).

Conditions:
Neurofibromatosis, type 1 (NF1). Also called: VON RECKLINGHAUSEN DISEASE; NEUROFIBROMATOSIS, TYPE I, SOMATIC; Peripheral type neurofibromatosis; Neurofibromatosis, type I. Identifiers: Orphanet 636, MedGen C0027831, MONDO:0018975, OMIM 162200. Disease mechanism: loss of function.

Submission:

Labcorp Genetics (formerly Invitae), Labcorp
Classification: Uncertain significance for Neurofibromatosis, type 1. Last evaluated: 2025-07-23. Review status: criteria provided, single submitter. Criteria: Invitae Variant Classification Sherloc (09022015). Collection method: clinical testing. Allele origin: germline.
Comment: This sequence change replaces methionine, which is neutral and non-polar, with threonine, which is neutral and polar, at codon 799 of the NF1 protein (p.Met799Thr). This variant is not present in population databases (gnomAD no frequency). This variant has not been reported in the literature in individuals affected with NF1-related conditions. ClinVar contains an entry for this variant (Variation ID: 1039260). Invitae Evidence Modeling of protein sequence and biophysical properties (such as structural, functional, and spatial information, amino acid conservation, physicochemical variation, residue mobility, and thermodynamic stability) indicates that this missense variant is not expected to disrupt NF1 protein function with a negative predictive value of 95%. In summary, the available evidence is currently insufficient to determine the role of this variant in disease. Therefore, it has been classified as a Variant of Uncertain Significance.

NM_001042492.3(NF1):c.2396T>C (p.Met799Thr)

Gene: NF1 (neurofibromin 1; plus strand). Cytogenetic location: 17q11.2.
Variant type: single nucleotide variant.
Coding change: c.2396T>C on transcript NM_001042492.3 (MANE Select); coding-DNA position 2396, T replaced by C.
Protein change: p.Met799Thr; replaces methionine 799 with threonine.
Molecular consequence: missense variant.
Genome position (GRCh38, 1-based): chr17:31,227,593, T>C. VCF-style: chr17-31227593-T-C. GRCh37 (hg19) VCF-style: chr17-29554611-T-C.
Other names: c.2396T>C, p.Met799Thr (NM_000267.4); short protein forms M799T.
Identifiers: ClinVar variation 1039260 (VCV001039260.5), dbSNP rs2067039365, ClinGen allele CA398983279.